The following is an entry in ClinVar:

NM_000178.4(GSS):c.130-1G>C

Gene: GSS (glutathione synthetase; minus strand). Cytogenetic location: 20q11.22.
Variant type: single nucleotide variant.
Coding change: c.130-1G>C on transcript NM_000178.4 (MANE Select); the canonical splice acceptor site of the intron before coding-DNA position 130, G replaced by C.
Molecular consequence: splice acceptor variant.
Genome position (GRCh38, 1-based): chr20:34,946,099, C>G on the plus strand (G>C on the coding strand, the complement: GSS is on the minus strand). VCF-style: chr20-34946099-C-G. GRCh37 (hg19) VCF-style: chr20-33533902-C-G.
Other names: c.130-1G>C (NM_001322494.1, NM_001322495.1).
Identifiers: ClinVar variation 2736964 (VCV002736964.4), dbSNP rs2519036640, ClinGen allele CA408705611.

ClinVar aggregate classification (germline): Pathogenic/Likely pathogenic. Review status: criteria provided, multiple submitters, no conflicts (2 of 4 stars). 2 submissions from 2 submitters: Pathogenic (1); Likely pathogenic (1). Last evaluated 2024-02-12.

Conditions:
Glutathione synthetase deficiency with 5-oxoprolinuria. Also called: PYROGLUTAMIC ACIDURIA; 5-Oxoprolinuria; Reduced glutathione synthetase level; Gluthathione synthetase deficiency; 5-OXOPROLINURIA DUE TO GLUTATHIONE SYNTHETASE DEFICIENCY. Identifiers: Orphanet 289846, MedGen C0398746, MONDO:0009947, OMIM 266130, HP:0003343.

Submissions (2):

Department of Pediatrics, Duzce University
Classification: Pathogenic for Glutathione synthetase deficiency with 5-oxoprolinuria. Last evaluated: 2024-02-12. Review status: criteria provided, single submitter. Criteria: ACMG Guidelines, 2015. Collection method: research. Allele origin: germline. Inheritance: Autosomal dominant inheritance. Affected: yes.
Comment: Variant at the canonical -1 splice-acceptor position, predicted to disrupt splicing and cause loss of function; loss of function is the established disease mechanism for glutathione synthetase deficiency (autosomal recessive) in GSS (PVS1). Rare/absent in population databases (PM2_supporting). Applied ACMG/AMP criteria: PVS1, PM2_supporting, PS4_supporting. Classification: Pathogenic.

Labcorp Genetics (formerly Invitae), Labcorp
Classification: Likely pathogenic for Glutathione synthetase deficiency with 5-oxoprolinuria. Last evaluated: 2023-02-23. Review status: criteria provided, single submitter. Criteria: Invitae Variant Classification Sherloc (09022015). Collection method: clinical testing. Allele origin: germline.
Comment: In summary, the currently available evidence indicates that the variant is pathogenic, but additional data are needed to prove that conclusively. Therefore, this variant has been classified as Likely Pathogenic. This sequence change affects an acceptor splice site in intron 2 of the GSS gene. It is expected to disrupt RNA splicing. Variants that disrupt the donor or acceptor splice site typically lead to a loss of protein function (PMID: 16199547), and loss-of-function variants in GSS are known to be pathogenic (PMID: 12638941, 15717202). This variant is not present in population databases (gnomAD no frequency). Disruption of this splice site has been observed in individual(s) with glutathione synthetase deficiency (PMID: 19728142). Algorithms developed to predict the effect of sequence changes on RNA splicing suggest that this variant may disrupt the consensus splice site.

Literature cited by the submitters: PubMed 16199547 (cited by Labcorp Genetics (formerly Invitae), Labcorp); PubMed 12638941 (cited by Labcorp Genetics (formerly Invitae), Labcorp); PubMed 15717202 (cited by Labcorp Genetics (formerly Invitae), Labcorp); PubMed 19728142 (cited by Labcorp Genetics (formerly Invitae), Labcorp).